The following is an entry in ClinVar:

NM_001365276.2(TNXB):c.1405G>T (p.Asp469Tyr)

Gene: TNXB (tenascin XB; minus strand). Cytogenetic location: 6p21.33.
Variant type: single nucleotide variant.
Coding change: c.1405G>T on transcript NM_001365276.2 (MANE Select); coding-DNA position 1405, G replaced by T.
Protein change: p.Asp469Tyr; replaces aspartic acid 469 with tyrosine.
Molecular consequence: missense variant.
Genome position (GRCh38, 1-based): chr6:32,096,448, C>A on the plus strand (G>T on the coding strand, the complement: TNXB is on the minus strand). VCF-style: chr6-32096448-C-A. GRCh37 (hg19) VCF-style: chr6-32064225-C-A.
Other names: c.1405G>T (NM_019105.6); c.1405G>T, p.Asp469Tyr (NM_019105.8); short protein forms D469Y.
Identifiers: ClinVar variation 624238 (VCV000624238.44), dbSNP rs779793236, ClinGen allele CA3735683.

ClinVar aggregate classification (germline): Uncertain significance. Review status: criteria provided, multiple submitters, no conflicts (2 of 4 stars). 2 submissions from 2 submitters: Uncertain significance (2). Last evaluated 2024-05-08.

Allele frequency attached by ClinVar (database versions not stated): gnomAD exomes 0.00002; gnomAD 0.00003 and 0.00004; TOPMed 0.00003; ExAC 0.00005.
gnomAD v4.1: 27 of 1,598,924 alleles (0.0017%); highest among the groups gnomAD compares: Non-Finnish European, 0.0023%; no homozygotes.

Submissions (2):

GeneDx
Classification: Uncertain significance. Last evaluated: 2024-05-08. Review status: criteria provided, single submitter. Criteria: GeneDx Variant Classification Process June 2021. Collection method: clinical testing. Allele origin: germline. Affected: yes.
Comment: In silico analysis supports that this missense variant has a deleterious effect on protein structure/function; Has not been previously published as pathogenic or benign to our knowledge

CeGaT Center for Human Genetics Tuebingen
Classification: Uncertain significance. Last evaluated: 2018-05-01. Review status: criteria provided, single submitter. Criteria: CeGaT Center For Human Genetics Tuebingen Variant Classification Criteria Version 2. Collection method: clinical testing. Allele origin: germline. Affected: yes. Observed: 1 variant allele.